The following is an entry in ClinVar:

ClinVar aggregate classification (germline): Uncertain significance. Review status: criteria provided, multiple submitters, no conflicts (2 of 4 stars). 2 submissions from 2 submitters: Uncertain significance (2). Last evaluated 2026-06-11.

Conditions:
Colorectal cancer, hereditary nonpolyposis, type 7. Identifiers: Orphanet 144, MedGen C1858380, MONDO:0013725, OMIM 614385.

Allele frequency attached by ClinVar (database versions not stated): gnomAD exomes below 0.00001.

Submissions (2):

Ambry Genetics
Classification: Uncertain significance. Last evaluated: 2026-06-11. Review status: criteria provided, single submitter. Criteria: Ambry Variant Classification Scheme 2023. Collection method: clinical testing. Allele origin: germline.
Comment: The c.4331dupA variant, located in coding exon 12 of the MLH3 gene, results from a duplication of A at nucleotide position 4331, causing a translational frameshift with a predicted alternate stop codon (p.Q1445Afs*7). This alteration occurs at the 3' terminus of theMLH3 gene, is not expected to trigger nonsense-mediated mRNAdecay, and only impacts the last 9 amino acids of the protein. The exact functional effect of this alteration is unknown. Based on the available evidence, the clinical significance of this variant remains unclear.

Labcorp Genetics (formerly Invitae), Labcorp
Classification: Uncertain significance for Colorectal cancer, hereditary nonpolyposis, type 7. Last evaluated: 2024-10-20. Review status: criteria provided, single submitter. Criteria: Invitae Variant Classification Sherloc (09022015). Collection method: clinical testing. Allele origin: germline.
Comment: This sequence change creates a premature translational stop signal (p.Gln1445Alafs*7) in the MLH3 gene. While this is not anticipated to result in nonsense mediated decay, it is expected to disrupt the last 9 amino acid(s) of the MLH3 protein. This variant is not present in population databases (gnomAD no frequency). This variant has not been reported in the literature in individuals affected with MLH3-related conditions. Experimental studies and prediction algorithms are not available or were not evaluated, and the functional significance of this variant is currently unknown. In summary, the available evidence is currently insufficient to determine the role of this variant in disease. Therefore, it has been classified as a Variant of Uncertain Significance.

NM_001040108.2(MLH3):c.4331dup (p.Gln1445fs)

Gene: MLH3 (mutL homolog 3; minus strand). Cytogenetic location: 14q24.3.
Variant type: Duplication.
Coding change: c.4331dup on transcript NM_001040108.2 (MANE Select); coding-DNA position 4331, one base duplicated (A; older notation c.4331dupA).
Protein change: p.Gln1445fs; shifts the reading frame from glutamine 1445.
Molecular consequence: frameshift variant.
Genome position (GRCh38, 1-based): chr14:75,017,113, T duplicated on the plus strand (A on the coding strand, the reverse complement: MLH3 is on the minus strand). VCF-style (leftmost placement, unchanged base first): chr14-75017112-C-CT. GRCh37 (hg19) VCF-style: chr14-75483815-C-CT.
Other names: c.4259dup, p.Gln1421fs (NM_014381.3); c.4331dupA (NM_001040108.1); short protein forms Q1421fs, Q1445fs.
Identifiers: ClinVar variation 3232574 (VCV003232574.5), dbSNP rs2503031985, ClinGen allele CA2499523645.